The following is an entry in ClinVar:

NM_022773.4(LMF1):c.485T>A (p.Val162Asp)

Gene: LMF1 (lipase maturation factor 1; minus strand). Cytogenetic location: 16p13.3.
Variant type: single nucleotide variant.
Coding change: c.485T>A on transcript NM_022773.4 (MANE Select); coding-DNA position 485, T replaced by A.
Protein change: p.Val162Asp; replaces valine 162 with aspartic acid.
Molecular consequence: missense variant. On other transcripts: 5 prime UTR variant (3), non-coding transcript variant (1).
Genome position (GRCh38, 1-based): chr16:954,375, A>T on the plus strand (T>A on the coding strand, the complement: LMF1 is on the minus strand). VCF-style: chr16-954375-A-T. GRCh37 (hg19) VCF-style: chr16-1004375-A-T.
Other names: c.-319T>A (NM_001352017.2); c.-70T>A (NM_001352018.2); c.158T>A, p.Val53Asp (NM_001352019.2); c.485T>A, p.Val162Asp (NM_001352020.1); c.-221T>A (NM_001352021.2); short protein forms V162D, V53D.
Identifiers: ClinVar variation 4098523 (VCV004098523.1).

ClinVar aggregate classification (germline): Uncertain significance (1 of 4 stars; one submission).

Conditions:
Cardiovascular phenotype. Identifiers: MedGen CN230736.

gnomAD v4.1: 3 of 1,612,450 alleles (0.00019%); highest among the groups gnomAD compares: South Asian, 0.0011%; no homozygotes.

Submission:

Ambry Genetics
Classification: Uncertain significance for Cardiovascular phenotype. Last evaluated: 2025-07-12. Review status: criteria provided, single submitter. Criteria: Ambry Variant Classification Scheme 2023. Collection method: clinical testing. Allele origin: germline.
Comment: The p.V162D variant (also known as c.485T>A), located in coding exon 2 of the LMF1 gene, results from a T to A substitution at nucleotide position 485. The valine at codon 162 is replaced by aspartic acid, an amino acid with highly dissimilar properties. This amino acid position is conserved. In addition, this alteration is predicted to be deleterious by in silico analysis. Based on the available evidence, the clinical significance of this variant remains unclear.